The following is an entry in ClinVar:

ClinVar aggregate classification (germline): Pathogenic/Likely pathogenic. Review status: criteria provided, multiple submitters, no conflicts (2 of 4 stars). 2 submissions from 2 submitters: Pathogenic (1); Likely pathogenic (1). Last evaluated 2024-06-13.

Conditions:
VPS13A-related neurodegenerative disease. Also called: LEVINE-CRITCHLEY SYNDROME; Choreoacanthocytosis; Chorea-acanthocytosis; VPS13A Disease; ACANTHOCYTOSIS WITH NEUROLOGIC DISORDER; Choreaacanthocytosis. Identifiers: Orphanet 2388, MedGen C0393576, MONDO:0008695, OMIM 200150.

Submissions (2):

Natera, Inc.
Classification: Likely pathogenic for Choreaacanthocytosis. Last evaluated: 2024-06-13. Review status: criteria provided, single submitter. Criteria: Natera Variant Classification Schema (03/2026). Collection method: clinical testing. Allele origin: germline.
Comment: The c.3051dupA variant in VPS13A is a frameshift variant predicted to shift the reading frame beginning at codon 1018 and leads to a stop codon 13 codons downstream. This variant is expected to result in nonsense mediated decay, truncation, or a dysfunctional protein product. This variant is rare in the general population with a frequency below the threshold expected for the associated phenotype(s). Given the available evidence, this variant is classified as Likely Pathogenic.

Labcorp Genetics (formerly Invitae), Labcorp
Classification: Pathogenic. Last evaluated: 2023-06-17. Review status: criteria provided, single submitter. Criteria: Invitae Variant Classification Sherloc (09022015). Collection method: clinical testing. Allele origin: germline.
Comment: For these reasons, this variant has been classified as Pathogenic. This variant has not been reported in the literature in individuals affected with VPS13A-related conditions. This variant is not present in population databases (gnomAD no frequency). This sequence change creates a premature translational stop signal (p.Glu1018Argfs*13) in the VPS13A gene. It is expected to result in an absent or disrupted protein product. Loss-of-function variants in VPS13A are known to be pathogenic (PMID: 12404112, 21598378).

Literature cited by the submitters: PubMed 12404112 (cited by Labcorp Genetics (formerly Invitae), Labcorp); PubMed 21598378 (cited by Labcorp Genetics (formerly Invitae), Labcorp).

NM_033305.3(VPS13A):c.3051dup (p.Glu1018fs)

Gene: VPS13A (vacuolar protein sorting 13 homolog A; plus strand). Cytogenetic location: 9q21.2.
Variant type: Duplication.
Coding change: c.3051dup on transcript NM_033305.3 (MANE Select); coding-DNA position 3051, one base duplicated (A; older notation c.3051dupA).
Protein change: p.Glu1018fs; shifts the reading frame from glutamic acid 1018.
Molecular consequence: frameshift variant.
Genome position (GRCh38, 1-based): chr9:77,282,207, A duplicated. VCF-style (leftmost placement, unchanged base first): chr9-77282206-C-CA. GRCh37 (hg19) VCF-style: chr9-79897122-C-CA.
Other names: c.3051dupA (NM_033305.2); c.3051dup, p.Glu1018fs (NM_001018037.2, NM_001018038.3, NM_015186.4); short protein forms E1018fs.
Identifiers: ClinVar variation 2786550 (VCV002786550.4), dbSNP rs2537842719, ClinGen allele CA2739269342.
Genomic context (GRCh38, chr9:77,282,206, plus strand): 5'-ATTTACACACTGAAGCACTTCTGAATACAATAAATTATCTTCATAATATCCTTCCGCAAT[C>CA]AGAGGAAAAATCAGCCCCAGTGTCCACTACAGAGACTGAAGACAAAGGAGATGTCATTAA-3'